The following is an entry in ClinVar:

ClinVar aggregate classification (germline): Conflicting classifications of pathogenicity. Review status: no assertion criteria provided (0 of 4 stars). 2 submissions from 2 submitters: Pathogenic (1); Uncertain significance (1). Last evaluated 2022-04-21.

Conditions:
Peripheral neuropathy, autosomal recessive, with or without impaired intellectual development. Identifiers: MedGen C4748283, MONDO:0029131, OMIM 618124.

Submissions (2):

OMIM
Classification: Pathogenic for PERIPHERAL NEUROPATHY, AUTOSOMAL RECESSIVE, WITHOUT IMPAIRED INTELLECTUAL DEVELOPMENT. Last evaluated: 2022-04-21. Review status: no assertion criteria provided. Collection method: literature only. Allele origin: germline.

Broad Center for Mendelian Genomics, Broad Institute of MIT and Harvard
Classification: Uncertain significance for Peripheral neuropathy, autosomal recessive, with or without impaired intellectual development. Last evaluated: 2020-11-16. Review status: no assertion criteria provided. Collection method: curation. Allele origin: germline. Inheritance: Autosomal recessive inheritance.
Comment: The heterozygous p.Gly1808AspfsTer5 variant in MCM3AP was identified by our study in 2 siblings with peripheral neuropathy, autosomal recessive, with or without impaired intellectual development (PMID: 32202298). These siblings also carried another variant of uncertain significance, however the phase of these variants are unknown at this time. The variant has not been previously reported in individuals with peripheral neuropathy, autosomal recessive, with or without impaired intellectual development, but it has been identified in 0.016% (4/24878) of European Finnish chromosomes by the Genome Aggregation Database (gnomAD; dbSNP ID: rs747306849). Although this variant has been seen in the general population, its frequency is not high enough to rule out a pathogenic role. In vitro functional studies provide some evidence that the p.Gly1808AspfsTer5 variant may impact protein function (PMID: 32202298). However, these types of assays may not accurately represent biological function. This variant is predicted to cause a frameshift, which alters the proteinâ€™s amino acid sequence beginning at position 1808 and leads to a premature termination codon 5 amino acids downstream. This alteration is then predicted to lead to a truncated or absent protein. While there is some evidence to suggest that loss of function of the MCM3AP gene is a disease mechanism in peripheral neuropathy, autosomal recessive, with or without impaired intellectual development, this association is not yet strongly established based on the criteria laid out in Tayoun, 2018 (PMID: 30192042). In summary, while there is some suspicion for a pathogenic role, the clinical significance of this variant is uncertain. ACMG/AMP Criteria applied: PVS1_moderate, PS3_moderate (Richards 2015).

Literature cited by the submitters: PubMed 32202298 (cited by OMIM and Broad Center for Mendelian Genomics, Broad Institute of MIT and Harvard).

NM_003906.5(MCM3AP):c.5423del (p.Gly1808fs)

Genes: MCM3AP (minichromosome maintenance complex component 3 associated protein; minus strand), MCM3AP-AS1 (MCM3AP antisense RNA 1; plus strand). Cytogenetic location: 21q22.3.
Variant type: Deletion.
Coding change: c.5423del on transcript NM_003906.5 (MANE Select); coding-DNA position 5423, one base deleted (G; older notation c.5423delG).
Protein change: p.Gly1808fs; shifts the reading frame from glycine 1808.
Molecular consequence: frameshift variant. On other transcripts: non-coding transcript variant (2).
Genome position (GRCh38, 1-based): chr21:46,242,805, C deleted on the plus strand (G on the coding strand, the reverse complement: MCM3AP is on the minus strand); the first of 3 consecutive C bases (chr21:46,242,805-46,242,807); deleting any one gives the same sequence. VCF-style (leftmost placement, unchanged base first): chr21-46242804-TC-T. GRCh37 (hg19) VCF-style: chr21-47662718-TC-T.
Other names: short protein forms G1808fs.
Identifiers: ClinVar variation 986396 (VCV000986396.2), dbSNP rs747306849, ClinGen allele CA10075864.